The following is an entry in ClinVar:

NM_001042492.3(NF1):c.6137T>C (p.Val2046Ala)

Gene: NF1 (neurofibromin 1; plus strand). Cytogenetic location: 17q11.2.
Variant type: single nucleotide variant.
Coding change: c.6137T>C on transcript NM_001042492.3 (MANE Select); coding-DNA position 6137, T replaced by C.
Protein change: p.Val2046Ala; replaces valine 2046 with alanine.
Molecular consequence: missense variant.
Genome position (GRCh38, 1-based): chr17:31,336,463, T>C. VCF-style: chr17-31336463-T-C. GRCh37 (hg19) VCF-style: chr17-29663481-T-C.
Other names: c.6074T>C, p.Val2025Ala (NM_000267.4); short protein forms V2025A, V2046A.
Identifiers: ClinVar variation 2061300 (VCV002061300.4), dbSNP rs2151553583, ClinGen allele CA399011539.

ClinVar aggregate classification (germline): Uncertain significance (1 of 4 stars; one submission).

Conditions:
Neurofibromatosis, type 1 (NF1). Also called: NEUROFIBROMATOSIS, TYPE I, SOMATIC; VON RECKLINGHAUSEN DISEASE; Peripheral type neurofibromatosis; Neurofibromatosis, type I. Identifiers: Orphanet 636, MedGen C0027831, MONDO:0018975, OMIM 162200. Disease mechanism: loss of function.

Submission:

Labcorp Genetics (formerly Invitae), Labcorp
Classification: Uncertain significance for Neurofibromatosis, type 1. Last evaluated: 2021-12-26. Review status: criteria provided, single submitter. Criteria: Invitae Variant Classification Sherloc (09022015). Collection method: clinical testing. Allele origin: germline.
Comment: This sequence change replaces valine, which is neutral and non-polar, with alanine, which is neutral and non-polar, at codon 2025 of the NF1 protein (p.Val2025Ala). In summary, the available evidence is currently insufficient to determine the role of this variant in disease. Therefore, it has been classified as a Variant of Uncertain Significance. Advanced modeling of protein sequence and biophysical properties (such as structural, functional, and spatial information, amino acid conservation, physicochemical variation, residue mobility, and thermodynamic stability) performed at Invitae indicates that this missense variant is expected to disrupt NF1 protein function. This variant has not been reported in the literature in individuals affected with NF1-related conditions. This variant is not present in population databases (gnomAD no frequency).